The following is an entry in ClinVar:

NM_004360.5(CDH1):c.29C>A (p.Ala10Glu)

Gene: CDH1 (cadherin 1; plus strand). Cytogenetic location: 16q22.1.
Variant type: single nucleotide variant.
Coding change: c.29C>A on transcript NM_004360.5 (MANE Select); coding-DNA position 29, C replaced by A.
Protein change: p.Ala10Glu; replaces alanine 10 with glutamic acid.
Molecular consequence: missense variant. On other transcripts: 5 prime UTR variant (2).
Genome position (GRCh38, 1-based): chr16:68,737,444, C>A. VCF-style: chr16-68737444-C-A. GRCh37 (hg19) VCF-style: chr16-68771347-C-A.
Other names: c.29C>A, p.Ala10Glu (NM_001317184.2); c.-1587C>A (NM_001317185.2); c.-1791C>A (NM_001317186.2); short protein forms A10E.
Identifiers: ClinVar variation 584912 (VCV000584912.18), dbSNP rs1375360857, ClinGen allele CA396451352.

ClinVar aggregate classification (germline): Conflicting classifications of pathogenicity. Review status: criteria provided, conflicting classifications (1 of 4 stars). 6 submissions from 6 submitters: Uncertain significance (5); Likely benign (1). Last evaluated 2025-12-15.

Conditions:
Hereditary diffuse gastric adenocarcinoma (HDGC). Also called: DIFFUSE GASTRIC AND LOBULAR BREAST CANCER SYNDROME. Identifiers: Orphanet 26106, MedGen C1708349, MONDO:0007648, OMIM 137215.
Hereditary cancer-predisposing syndrome. Also called: Neoplastic Syndromes, Hereditary; Hereditary Cancer Syndrome; Tumor predisposition; Hereditary neoplastic syndrome. Identifiers: Orphanet 140162, MedGen C0027672, MeSH D009386, MONDO:0015356.

gnomAD v4.1: 11 of 1,489,864 alleles (0.00074%); highest among the groups gnomAD compares: African/African-American, 0.0014%; no homozygotes.

Submissions (6):

Labcorp Genetics (formerly Invitae), Labcorp
Classification: Uncertain significance for Hereditary diffuse gastric adenocarcinoma. Last evaluated: 2025-12-15. Review status: criteria provided, single submitter. Criteria: Invitae Variant Classification Sherloc (09022015). Collection method: clinical testing. Allele origin: germline.
Comment: This sequence change replaces alanine, which is neutral and non-polar, with glutamic acid, which is acidic and polar, at codon 10 of the CDH1 protein (p.Ala10Glu). This variant is not present in population databases (gnomAD no frequency). This variant has not been reported in the literature in individuals affected with CDH1-related conditions. ClinVar contains an entry for this variant (Variation ID: 584912). An algorithm developed to predict the effect of missense changes on protein structure and function (PolyPhen-2) suggests that this variant is likely to be tolerated. In summary, the available evidence is currently insufficient to determine the role of this variant in disease. Therefore, it has been classified as a Variant of Uncertain Significance.

Ambry Genetics
Classification: Likely benign for Hereditary cancer-predisposing syndrome. Last evaluated: 2024-05-06. Review status: criteria provided, single submitter. Criteria: Ambry Variant Classification Scheme 2023. Collection method: clinical testing. Allele origin: germline.

Color Diagnostics, LLC DBA Color Health
Classification: Uncertain significance for Hereditary cancer-predisposing syndrome. Last evaluated: 2023-07-24. Review status: criteria provided, single submitter. Criteria: ACMG Guidelines, 2015. Collection method: clinical testing. Allele origin: germline.
Comment: This missense variant replaces alanine with glutamic acid at codon 10 of the CDH1 protein. To our knowledge, functional studies have not been reported for this variant. This variant has not been reported in individuals affected with CDH1-related disorders in the literature. This variant has not been identified in the general population by the Genome Aggregation Database (gnomAD). The available evidence is insufficient to determine the role of this variant in disease conclusively. Therefore, this variant is classified as a Variant of Uncertain Significance.

GeneDx
Classification: Uncertain significance. Last evaluated: 2020-01-24. Review status: criteria provided, single submitter. Criteria: GeneDx Variant Classification Process June 2021. Collection method: clinical testing. Allele origin: germline. Affected: yes.
Comment: Not observed in large population cohorts (Lek 2016); In silico analysis, which includes protein predictors and evolutionary conservation, supports that this variant does not alter protein structure/function; Has not been previously published as pathogenic or benign to our knowledge

Mendelics
Classification: Uncertain significance for Hereditary diffuse gastric cancer. Last evaluated: 2018-07-02. Review status: criteria provided, single submitter. Criteria: Mendelics Assertion Criteria 2017. Collection method: clinical testing. Allele origin: unknown.

Eurofins Ntd Llc (ga)
Classification: Uncertain significance. Last evaluated: 2018-03-09. Review status: criteria provided, single submitter. Criteria: EGL ClinVar v180209 classification definitions. Collection method: clinical testing. Allele origin: germline. Observed: 1 variant allele, 1 heterozygote.